The following is an entry in ClinVar:

NC_000023.10:g.(?_128674417)_(128975921_?)del

Genes: APLN (apelin; minus strand), OCRL (OCRL inositol polyphosphate-5-phosphatase; plus strand), SASH3 (SAM and SH3 domain containing 3; plus strand), XPNPEP2 (X-prolyl aminopeptidase 2; plus strand), ZDHHC9 (zDHHC palmitoyltransferase 9; minus strand). Cytogenetic location: Xq25-26.1.
Variant type: Deletion.
Identifiers: ClinVar variation 3245284 (VCV003245284.1).

ClinVar aggregate classification (germline): Pathogenic (1 of 4 stars; one submission).

Conditions:
Intellectual developmental disorder, X-linked, syndromic, Raymond type. Also called: Syndromic X-linked intellectual disability Raymond type. Identifiers: MedGen C3275406, MONDO:0010427, OMIM 300799.

Submission:

Labcorp Genetics (formerly Invitae), Labcorp
Classification: Pathogenic for Intellectual developmental disorder, X-linked, syndromic, Raymond type. Last evaluated: 2023-10-19. Review status: criteria provided, single submitter. Criteria: Invitae Variant Classification Sherloc (09022015). Collection method: clinical testing. Allele origin: unknown.
Comment: A gross deletion of the genomic region encompassing the full coding sequence of the ZDHHC9 gene has been identified. Loss-of-function variants in ZDHHC9 are known to be pathogenic (PMID: 17436253, 24357419). The boundaries of this event are unknown as they extend beyond the assayed region for this gene and therefore may encompass additional genes. This variant has not been reported in the literature in individuals affected with ZDHHC9-related conditions. For these reasons, this variant has been classified as Pathogenic.

Literature cited by the submitters: PubMed 17436253; PubMed 24357419.